The following is an entry in ClinVar:

NM_000036.3(AMPD1):c.1432A>G (p.Met478Val)

Gene: AMPD1 (adenosine monophosphate deaminase 1; minus strand). Cytogenetic location: 1p13.2.
Variant type: single nucleotide variant.
Coding change: c.1432A>G on transcript NM_000036.3 (MANE Select); coding-DNA position 1432, A replaced by G.
Protein change: p.Met478Val; replaces methionine 478 with valine.
Molecular consequence: missense variant.
Genome position (GRCh38, 1-based): chr1:114,675,960, T>C on the plus strand (A>G on the coding strand, the complement: AMPD1 is on the minus strand). VCF-style: chr1-114675960-T-C. GRCh37 (hg19) VCF-style: chr1-115218581-T-C.
Other names: c.1420A>G, p.Met474Val (NM_001172626.2); short protein forms M474V, M478V.
Identifiers: ClinVar variation 193788 (VCV000193788.9), dbSNP rs528215739, ClinGen allele CA239440.

ClinVar aggregate classification (germline): Uncertain significance. Review status: criteria provided, multiple submitters, no conflicts (2 of 4 stars). 2 submissions from 2 submitters: Uncertain significance (2). Last evaluated 2022-08-15.

Conditions:
Muscle AMP deaminase deficiency (MMDD). Also called: Myoadenylate deaminase deficiency, myopathy due to; Adenosine monophosphate deaminase 1 deficiency; AMP deaminase 1 deficiency; Adenosine Monophosphate Deaminase 1; ADENOSINE MONOPHOSPHATE DEAMINASE-1 DEFICIENCY, MYOPATHY DUE TO; AMPD1 DEFICIENCY. Identifiers: Orphanet 45, MedGen C3714933, MONDO:0014220, OMIM 615511.

Allele frequency attached by ClinVar (database versions not stated): ExAC 0.00001; gnomAD 0.00001; gnomAD exomes 0.00002 and 0.00004; TOPMed 0.00002; 1000 Genomes Project 30x 0.00016; 1000 Genomes Project 0.00020.
gnomAD v4.1: 65 of 1,614,010 alleles (0.004%); highest among the groups gnomAD compares: Middle Eastern, 0.017%; no homozygotes.

Submissions (2):

Labcorp Genetics (formerly Invitae), Labcorp
Classification: Uncertain significance for Muscle AMP deaminase deficiency. Last evaluated: 2022-08-15. Review status: criteria provided, single submitter. Criteria: Invitae Variant Classification Sherloc (09022015). Collection method: clinical testing. Allele origin: germline.
Comment: This sequence change replaces methionine, which is neutral and non-polar, with valine, which is neutral and non-polar, at codon 511 of the AMPD1 protein (p.Met511Val). This variant is present in population databases (rs528215739, gnomAD 0.004%). This variant has not been reported in the literature in individuals affected with AMPD1-related conditions. ClinVar contains an entry for this variant (Variation ID: 193788). Algorithms developed to predict the effect of missense changes on protein structure and function are either unavailable or do not agree on the potential impact of this missense change (SIFT: "Tolerated"; PolyPhen-2: "Probably Damaging"; Align-GVGD: "Class C0"). Algorithms developed to predict the effect of sequence changes on RNA splicing suggest that this variant may create or strengthen a splice site. In summary, the available evidence is currently insufficient to determine the role of this variant in disease. Therefore, it has been classified as a Variant of Uncertain Significance.

Eurofins Ntd Llc (ga)
Classification: Uncertain significance. Last evaluated: 2014-11-21. Review status: criteria provided, single submitter. Criteria: EGL Classification Definitions 2015. Collection method: clinical testing. Allele origin: germline. Observed: 1 variant allele, 1 heterozygote.